The following is an entry in ClinVar:

ClinVar aggregate classification (germline): Uncertain significance (1 of 4 stars; one submission).

Conditions:
Familial thoracic aortic aneurysm and aortic dissection (TAAD). Also called: Thoracic aortic aneurysms and dissections. Identifiers: Orphanet 91387, MedGen C4707243, MONDO:0019625.

Submission:

Ambry Genetics
Classification: Uncertain significance for Familial thoracic aortic aneurysm and aortic dissection. Last evaluated: 2018-01-08. Review status: criteria provided, single submitter. Criteria: Ambry Variant Classification Scheme 2023. Collection method: clinical testing. Allele origin: germline.
Comment: The p.R1067P variant (also known as c.3200G>C), located in coding exon 45 of the COL5A2 gene, results from a G to C substitution at nucleotide position 3200. The arginine at codon 1067 is replaced by proline, an amino acid with dissimilar properties. This amino acid position is well conserved in available vertebrate species. In addition, this alteration is predicted to be deleterious by in silico analysis. Since supporting evidence is limited at this time, the clinical significance of this alteration remains unclear.

NM_000393.5(COL5A2):c.3200G>C (p.Arg1067Pro)

Gene: COL5A2 (collagen type V alpha 2 chain; minus strand). Cytogenetic location: 2q32.2.
Variant type: single nucleotide variant.
Coding change: c.3200G>C on transcript NM_000393.5 (MANE Select); coding-DNA position 3200, G replaced by C.
Protein change: p.Arg1067Pro; replaces arginine 1067 with proline.
Molecular consequence: missense variant.
Genome position (GRCh38, 1-based): chr2:189,048,210, C>G on the plus strand (G>C on the coding strand, the complement: COL5A2 is on the minus strand). VCF-style: chr2-189048210-C-G. GRCh37 (hg19) VCF-style: chr2-189912936-C-G.
Other names: short protein forms R1067P.
Identifiers: ClinVar variation 1728817 (VCV001728817.2), dbSNP rs780705330, ClinGen allele CA349864390.
Genomic context (GRCh38, chr2:189,048,210, plus strand): 5'-TTAAAAAGATTTCAGATTTGCATGACTTTAGATTTTATAATAAGTGAAATGGCTCTTACA[C>G]GTTCTCCAACAGCACCATCCCGTCCTGGGGTACCATCATTGCCAGCTGGACCCTATAAAG-3'
Protein context (NP_000384.2, residues 1057-1077): TPGRDGAVGE[Arg1067Pro]GDRGDPGPAG